The following is an entry in ClinVar:

NM_017654.4(SAMD9):c.2756_2758del (p.Ser919del)

Gene: SAMD9 (sterile alpha motif domain containing 9; minus strand). Cytogenetic location: 7q21.2.
Variant type: Deletion.
Coding change: c.2756_2758del on transcript NM_017654.4 (MANE Select); coding-DNA positions 2756 to 2758, 3 bases deleted (CTT; older notation c.2756_2758delCTT).
Protein change: p.Ser919del; deletes serine 919.
Molecular consequence: inframe deletion.
Genome position (GRCh38, 1-based): chr7:93,103,340-93,103,342, AAG deleted on the plus strand (CTT on the coding strand, the reverse complement: SAMD9 is on the minus strand); deleting any 3 consecutive bases within chr7:93,103,340-93,103,344 gives the same sequence; the c. name uses the placement nearest the transcript's 3' end. VCF-style (leftmost placement, unchanged base first): chr7-93103339-AAAG-A. GRCh37 (hg19) VCF-style: chr7-92732652-AAAG-A.
Other names: c.2756_2758del, p.Ser919del (NM_001193307.2); short protein forms S919del.
Identifiers: ClinVar variation 4726597 (VCV004726597.1).

ClinVar aggregate classification (germline): Uncertain significance (1 of 4 stars; one submission).

Submission:

Labcorp Genetics (formerly Invitae), Labcorp
Classification: Uncertain significance. Last evaluated: 2025-09-03. Review status: criteria provided, single submitter. Criteria: Invitae Variant Classification Sherloc (09022015). Collection method: clinical testing. Allele origin: germline.
Comment: This variant, c.2756_2758del, results in the deletion of 1 amino acid(s) of the SAMD9 protein (p.Ser919del), but otherwise preserves the integrity of the reading frame. This variant is not present in population databases (gnomAD no frequency). This variant has not been reported in the literature in individuals affected with SAMD9-related conditions. Experimental studies and prediction algorithms are not available or were not evaluated, and the functional significance of this variant is currently unknown. In summary, the available evidence is currently insufficient to determine the role of this variant in disease. Therefore, it has been classified as a Variant of Uncertain Significance.